The following is an entry in ClinVar:

NM_000263.4(NAGLU):c.1477G>A (p.Ala493Thr)

Gene: NAGLU (N-acetyl-alpha-glucosaminidase; plus strand). Cytogenetic location: 17q21.2.
Variant type: single nucleotide variant.
Coding change: c.1477G>A on transcript NM_000263.4 (MANE Select); coding-DNA position 1477, G replaced by A.
Protein change: p.Ala493Thr; replaces alanine 493 with threonine.
Molecular consequence: missense variant.
Genome position (GRCh38, 1-based): chr17:42,543,483, G>A. VCF-style: chr17-42543483-G-A. GRCh37 (hg19) VCF-style: chr17-40695501-G-A.
Other names: short protein forms A493T.
Identifiers: ClinVar variation 2090511 (VCV002090511.4), dbSNP rs2092927569, ClinGen allele CA399603932.

ClinVar aggregate classification (germline): Uncertain significance (1 of 4 stars; one submission).

Conditions:
Charcot-Marie-Tooth disease axonal type 2V. Also called: CHARCOT-MARIE-TOOTH NEUROPATHY, TYPE 2V; CHARCOT-MARIE-TOOTH DISEASE, AXONAL, AUTOSOMAL DOMINANT, TYPE 2V. Identifiers: Orphanet 447964, MedGen C5569050, MONDO:0014665, OMIM 616491.
Mucopolysaccharidosis, MPS-III-B (MPS3B). Also called: N-ACETYL-ALPHA-D-GLUCOSAMINIDASE DEFICIENCY; NAGLU DEFICIENCY; SANFILIPPO SYNDROME B; MPS III B; MUCOPOLYSACCHARIDOSIS, TYPE IIIB; MPS IIIB (Sanfilippo Syndrome Type B). Identifiers: Orphanet 79270, MedGen C0086648, MONDO:0009656, OMIM 252920.

Submission:

Labcorp Genetics (formerly Invitae), Labcorp
Classification: Uncertain significance for Charcot-Marie-Tooth disease axonal type 2V; Mucopolysaccharidosis, MPS-III-B. Last evaluated: 2022-01-27. Review status: criteria provided, single submitter. Criteria: Invitae Variant Classification Sherloc (09022015). Collection method: clinical testing. Allele origin: germline.
Comment: Advanced modeling of protein sequence and biophysical properties (such as structural, functional, and spatial information, amino acid conservation, physicochemical variation, residue mobility, and thermodynamic stability) performed at Invitae indicates that this missense variant is expected to disrupt NAGLU protein function. In summary, the available evidence is currently insufficient to determine the role of this variant in disease. Therefore, it has been classified as a Variant of Uncertain Significance. This variant has not been reported in the literature in individuals affected with NAGLU-related conditions. This sequence change replaces alanine, which is neutral and non-polar, with threonine, which is neutral and polar, at codon 493 of the NAGLU protein (p.Ala493Thr). This variant is not present in population databases (gnomAD no frequency).